The following is an entry in ClinVar:

NM_001844.5(COL2A1):c.4136G>A (p.Arg1379His)

Gene: COL2A1 (collagen type II alpha 1 chain; minus strand). Cytogenetic location: 12q13.11.
Variant type: single nucleotide variant.
Coding change: c.4136G>A on transcript NM_001844.5 (MANE Select); coding-DNA position 4136, G replaced by A.
Protein change: p.Arg1379His; replaces arginine 1379 with histidine.
Molecular consequence: missense variant.
Genome position (GRCh38, 1-based): chr12:47,974,270, C>T on the plus strand (G>A on the coding strand, the complement: COL2A1 is on the minus strand). VCF-style: chr12-47974270-C-T. GRCh37 (hg19) VCF-style: chr12-48368053-C-T.
Other names: c.3929G>A, p.Arg1310His (NM_033150.3); short protein forms R1379H, R1310H.
Identifiers: ClinVar variation 593385 (VCV000593385.36), dbSNP rs754487319, ClinGen allele CA6534527.

ClinVar aggregate classification (germline): Conflicting classifications of pathogenicity. Review status: criteria provided, conflicting classifications (1 of 4 stars). 6 submissions from 6 submitters: Uncertain significance (5); Likely benign (1). Last evaluated 2025-12-10.

Conditions:
COL2A1-related disorder. Also called: COL2A1-related condition; COL2A1-related disorders.

Allele frequency attached by ClinVar (database versions not stated): gnomAD exomes 0.00004 and 0.00008; ExAC 0.00005; TOPMed 0.00005; gnomAD 0.00006 and 0.00007.
gnomAD v4.1: 64 of 1,614,028 alleles (0.004%); highest among the groups gnomAD compares: Admixed American, 0.023%; no homozygotes.

Submissions (6):

Dasa
Classification: Uncertain significance. Last evaluated: 2025-12-10. Review status: criteria provided, single submitter. Criteria: DASA Assertion Criteria. Collection method: clinical testing. Allele origin: germline.
Comment: NM_001844.5(COL2A1):c.4136G>A (p.Arg1379His) is a missense variant that results in the substitution of arginine with histidine. This variant is rare in population databases. Computational prediction algorithms are consistent with a deleterious effect. The currently available literature and clinical evidence are not sufficient to establish a definitive association between this variant and the reported condition. Therefore, this variant is classified as a variant of uncertain significance.

PreventionGenetics, part of Exact Sciences
Classification: Uncertain significance for COL2A1-related condition. Last evaluated: 2025-03-13. Review status: criteria provided, single submitter. Criteria: ACMG Guidelines, 2015. Collection method: clinical testing. Allele origin: germline.
Comment: The COL2A1 c.4136G>A variant is predicted to result in the amino acid substitution p.Arg1379His. To our knowledge, this variant has not been reported in the literature. This variant is reported in 0.028% of alleles in individuals of Latino descent in gnomAD. Although we suspect that this variant may be benign, at this time, the clinical significance of this variant is uncertain due to the absence of conclusive functional and genetic evidence.

Labcorp Genetics (formerly Invitae), Labcorp
Classification: Likely benign. Last evaluated: 2025-03-03. Review status: criteria provided, single submitter. Criteria: Invitae Variant Classification Sherloc (09022015). Collection method: clinical testing. Allele origin: germline.

CeGaT Center for Human Genetics Tuebingen
Classification: Uncertain significance. Last evaluated: 2024-06-01. Review status: criteria provided, single submitter. Criteria: CeGaT Center For Human Genetics Tuebingen Variant Classification Criteria Version 2. Collection method: clinical testing. Allele origin: germline. Affected: yes. Observed: 1 variant allele.

GeneDx
Classification: Uncertain significance. Last evaluated: 2023-12-29. Review status: criteria provided, single submitter. Criteria: GeneDx Variant Classification Process June 2021. Collection method: clinical testing. Allele origin: germline. Affected: yes.
Comment: Has not been previously published as pathogenic or benign to our knowledge; In silico analysis supports that this missense variant has a deleterious effect on protein structure/function; Not located in the triple helical region, where the majority of pathogenic missense variants occur (HGMD)

Eurofins Ntd Llc (ga)
Classification: Uncertain significance. Last evaluated: 2017-07-26. Review status: criteria provided, single submitter. Criteria: EGL Classification Definitions 2015. Collection method: clinical testing. Allele origin: germline. Observed: 1 variant allele, 1 heterozygote.